The following is an entry in ClinVar:

ClinVar aggregate classification (germline): Uncertain significance (1 of 4 stars; one submission).

Submission:

Labcorp Genetics (formerly Invitae), Labcorp
Classification: Uncertain significance. Last evaluated: 2025-10-21. Review status: criteria provided, single submitter. Criteria: Invitae Variant Classification Sherloc (09022015). Collection method: clinical testing. Allele origin: germline.
Comment: This sequence change replaces arginine, which is basic and polar, with isoleucine, which is neutral and non-polar, at codon 51 of the IMPDH1 protein (p.Arg51Ile). This variant is present in population databases (rs762110519, gnomAD 0.007%). This variant has not been reported in the literature in individuals affected with IMPDH1-related conditions. An algorithm developed to predict the effect of missense changes on protein structure and function (PolyPhen-2) suggests that this variant is likely to be tolerated. In summary, the available evidence is currently insufficient to determine the role of this variant in disease. Therefore, it has been classified as a Variant of Uncertain Significance.

NM_000883.4(IMPDH1):c.152G>T (p.Arg51Ile)

Gene: IMPDH1 (inosine monophosphate dehydrogenase 1; minus strand). Cytogenetic location: 7q32.1.
Variant type: single nucleotide variant.
Coding change: c.152G>T on transcript NM_000883.4 (MANE Select); coding-DNA position 152, G replaced by T.
Protein change: p.Arg51Ile; replaces arginine 51 with isoleucine.
Molecular consequence: missense variant. On other transcripts: intron variant (3).
Genome position (GRCh38, 1-based): chr7:128,409,479, C>A on the plus strand (G>T on the coding strand, the complement: IMPDH1 is on the minus strand). VCF-style: chr7-128409479-C-A. GRCh37 (hg19) VCF-style: chr7-128049533-C-A.
Other names: c.152G>T, p.Arg51Ile (NM_001142576.2); c.146+277G>T (NM_001304521.2, NM_183243.3); c.147-113G>T (NM_001102605.2); short protein forms R51I.
Identifiers: ClinVar variation 4711171 (VCV004711171.1).
Genomic context (GRCh38, chr7:128,409,479, plus strand): 5'-GAACCCCAGGAGTTGGAGCCACCTGAACGGGGTGTCGTCGGGTGTGTAGCGAGGTCCAAT[C>A]TAGGGCTAAGATTTTAGGGAAGGTTTTTACGACCTGTTCCCTCTCCTCCGCTCCCCCGTG-3'
Protein context (NP_000874.2, residues 41-61): LQAGYEPESP[Arg51Ile]LDLATHPTTP